The following is an entry in ClinVar:

NM_003412.4(ZIC1):c.205C>A (p.Pro69Thr)

Gene: ZIC1 (Zic family member 1; plus strand). Cytogenetic location: 3q24.
Variant type: single nucleotide variant.
Coding change: c.205C>A on transcript NM_003412.4 (MANE Select); coding-DNA position 205, C replaced by A.
Protein change: p.Pro69Thr; replaces proline 69 with threonine.
Molecular consequence: missense variant.
Genome position (GRCh38, 1-based): chr3:147,410,317, C>A. VCF-style: chr3-147410317-C-A. GRCh37 (hg19) VCF-style: chr3-147128104-C-A.
Other names: short protein forms P69T.
Identifiers: ClinVar variation 2504481 (VCV002504481.1), dbSNP rs2473122737, ClinGen allele CA354896137.

ClinVar aggregate classification (germline): Uncertain significance (1 of 4 stars; one submission).

Submission:

GeneDx
Classification: Uncertain significance. Last evaluated: 2022-12-02. Review status: criteria provided, single submitter. Criteria: GeneDx Variant Classification Process June 2021. Collection method: clinical testing. Allele origin: germline. Affected: yes.
Comment: Not observed at significant frequency in large population cohorts (gnomAD); In silico analysis supports that this missense variant does not alter protein structure/function; Has not been previously published as pathogenic or benign to our knowledge